The following is an entry in ClinVar:

ClinVar aggregate classification (germline): Benign/Likely benign. Review status: criteria provided, multiple submitters, no conflicts (2 of 4 stars). 7 submissions from 6 submitters: Benign (1); Likely benign (5). 1 of the submissions does not count toward it. Last evaluated 2026-01-02.

Conditions:
Ectopia lentis et pupillae. Also called: ECTOPIA LENTIS WITH ECTOPIA OF PUPIL. Identifiers: Orphanet 1885, MedGen C1644196, MONDO:0009153, OMIM 225200.
ADAMTSL4-related disorder. Also called: ADAMTSL4-related condition; ADAMTSL4-Related Disorders.
Ectopia lentis 2, isolated, autosomal recessive (ECTOL2). Identifiers: Orphanet 1885, MedGen C3541474, MONDO:0009152, OMIM 225100.

Allele frequency attached by ClinVar (database versions not stated): gnomAD exomes 0.00025 and 0.00054; ExAC 0.00085; ESP Exome Variant Server 0.00177; gnomAD 0.00178 and 0.00187; TOPMed 0.00188; 1000 Genomes Project 0.00220; 1000 Genomes Project 30x 0.00250.
gnomAD v4.1: 631 of 1,610,020 alleles (0.039%); highest among the groups gnomAD compares: African/African-American, 0.57%; no homozygotes.

Submissions (7):

Labcorp Genetics (formerly Invitae), Labcorp
Classification: Benign. Last evaluated: 2026-01-02. Review status: criteria provided, single submitter. Criteria: Invitae Variant Classification Sherloc (09022015). Collection method: clinical testing. Allele origin: germline.

Blueprint Genetics
Classification: Likely benign. Last evaluated: 2024-11-25. Review status: criteria provided, single submitter. Criteria: ACMG Guidelines, 2015. Collection method: clinical testing. Allele origin: germline.

Genome-Nilou Lab
Classification: Likely benign for Ectopia lentis et pupillae. Last evaluated: 2023-04-11. Review status: criteria provided, single submitter. Criteria: ACMG Guidelines, 2015. Collection method: clinical testing. Allele origin: germline. Affected: no.

Genome-Nilou Lab
Classification: Likely benign for Ectopia lentis 2, isolated, autosomal recessive. Last evaluated: 2023-04-11. Review status: criteria provided, single submitter. Criteria: ACMG Guidelines, 2015. Collection method: clinical testing. Allele origin: germline. Affected: no.

Illumina Laboratory Services, Illumina
Classification: Likely benign for Ectopia lentis 2, isolated, autosomal recessive. Last evaluated: 2018-01-13. Review status: criteria provided, single submitter. Criteria: ICSL Variant Classification Criteria 13 December 2019. Collection method: clinical testing. Allele origin: germline.
Comment: This variant was observed in the ICSL laboratory as part of a predisposition screen in an ostensibly healthy population. It had not been previously curated by ICSL or reported in the Human Gene Mutation Database (HGMD: prior to June 1st, 2018), and was therefore a candidate for classification through an automated scoring system. Utilizing variant allele frequency, disease prevalence and penetrance estimates, and inheritance mode, an automated score was calculated to assess if this variant is too frequent to cause the disease. Based on the score and internal cut-off values, a variant classified as likely benign is not then subjected to further curation. The score for this variant resulted in a classification of likely benign for this disease.

Breakthrough Genomics
Classification: Likely benign. Review status: criteria provided, single submitter. Criteria: ACMG Guidelines, 2015. Collection method: not provided. Allele origin: germline. Inheritance: Autosomal recessive inheritance. Affected: yes.

PreventionGenetics, part of Exact Sciences
Classification: Likely benign for ADAMTSL4-related condition. Last evaluated: 2019-06-13. Review status: no assertion criteria provided. Collection method: clinical testing. Allele origin: germline. Not counted in ClinVar's aggregate classification.
Comment: This variant is classified as likely benign based on ACMG/AMP sequence variant interpretation guidelines (Richards et al. 2015 PMID: 25741868, with internal and published modifications).

NM_019032.6(ADAMTSL4):c.2580G>A (p.Thr860=)

Gene: ADAMTSL4 (ADAMTS like 4; plus strand). Cytogenetic location: 1q21.2.
Variant type: single nucleotide variant.
Coding change: c.2580G>A on transcript NM_019032.6 (MANE Select); coding-DNA position 2580, G replaced by A.
Protein change: p.Thr860=; no amino-acid change (threonine 860 retained).
Molecular consequence: synonymous variant.
Genome position (GRCh38, 1-based): chr1:150,558,982, G>A. VCF-style: chr1-150558982-G-A. GRCh37 (hg19) VCF-style: chr1-150531458-G-A.
Other names: c.2580G>A (NM_019032.5); c.2463G>A, p.Thr821= (NM_001288607.2); c.2649G>A, p.Thr883= (NM_001288608.2); c.2580G>A, p.Thr860= (NM_001378596.1).
Identifiers: ClinVar variation 292556 (VCV000292556.17), dbSNP rs150680122, ClinGen allele CA1078778.